The following is an entry in ClinVar:

NM_001783.4(CD79A):c.80-3C>T

Genes: RPS19-CD79A (RPS19-CD79A readthrough; plus strand), CD79A (CD79a molecule; plus strand). Cytogenetic location: 19q13.2.
Variant type: single nucleotide variant.
Coding change: c.80-3C>T on transcript NM_001783.4 (MANE Select); 3 bases into the intron before coding-DNA position 80, C replaced by T.
Molecular consequence: intron variant.
Genome position (GRCh38, 1-based): chr19:41,878,987, C>T. VCF-style: chr19-41878987-C-T. GRCh37 (hg19) VCF-style: chr19-42383057-C-T.
Other names: c.80-3C>T (NM_021601.4).
Identifiers: ClinVar variation 1000084 (VCV001000084.8), dbSNP rs781874528, ClinGen allele CA9465515.

ClinVar aggregate classification (germline): Uncertain significance (1 of 4 stars; one submission).

Conditions:
Agammaglobulinemia 3, autosomal recessive (AGM3). Also called: AGAMMAGLOBULINEMIA 3; AGAMMAGLOBULINEMIA, AUTOSOMAL RECESSIVE, DUE TO CD79A DEFECT. Identifiers: MedGen C3150751, MONDO:0013288, OMIM 613501.

Allele frequency attached by ClinVar (database versions not stated): gnomAD exomes below 0.00001; ExAC 0.00001; gnomAD 0.00001; TOPMed 0.00002.

Submission:

Labcorp Genetics (formerly Invitae), Labcorp
Classification: Uncertain significance for Agammaglobulinemia 3, autosomal recessive. Last evaluated: 2020-06-02. Review status: criteria provided, single submitter. Criteria: Invitae Variant Classification Sherloc (09022015). Collection method: clinical testing. Allele origin: germline.
Comment: This sequence change falls in intron 1 of the CD79A gene. It does not directly change the encoded amino acid sequence of the CD79A protein, but it affects a nucleotide within the consensus splice site of the intron. This variant is present in population databases (rs781874528, ExAC 0.002%). This variant has not been reported in the literature in individuals with CD79A-related conditions. Nucleotide substitutions within the consensus splice site are a relatively common cause of aberrant splicing (PMID: 17576681, 9536098). Algorithms developed to predict the effect of sequence changes on RNA splicing suggest that this variant is not likely to affect RNA splicing, but this prediction has not been confirmed by published transcriptional studies. In summary, the available evidence is currently insufficient to determine the role of this variant in disease. Therefore, it has been classified as a Variant of Uncertain Significance.

Literature cited by the submitters: PubMed 17576681; PubMed 9536098.